The following is an entry in ClinVar:

ClinVar aggregate classification (germline): Likely benign (1 of 4 stars; one submission).

Allele frequency attached by ClinVar (database versions not stated): ExAC 0.00067; 1000 Genomes Project 30x 0.00125; gnomAD 0.00127; gnomAD exomes 0.00127; 1000 Genomes Project 0.00140.
gnomAD v4.1: 572 of 422,790 alleles (0.14%); highest among the groups gnomAD compares: Non-Finnish European, 0.21%; 2 homozygotes.

Submission:

CeGaT Center for Human Genetics Tuebingen
Classification: Likely benign. Last evaluated: 2023-07-01. Review status: criteria provided, single submitter. Criteria: CeGaT Center For Human Genetics Tuebingen Variant Classification Criteria Version 2. Collection method: clinical testing. Allele origin: germline. Affected: yes. Observed: 4 variant alleles.
Comment: KCNQ5: BS1

NM_019842.4(KCNQ5):c.616+1125A>G

Gene: KCNQ5 (potassium voltage-gated channel subfamily Q member 5; plus strand). Cytogenetic location: 6q13.
Variant type: single nucleotide variant.
Coding change: c.616+1125A>G on transcript NM_019842.4 (MANE Select); 1125 bases into the intron after coding-DNA position 616, A replaced by G.
Molecular consequence: intron variant.
Genome position (GRCh38, 1-based): chr6:73,043,187, A>G. VCF-style: chr6-73043187-A-G. GRCh37 (hg19) VCF-style: chr6-73752910-A-G.
Other names: c.616+1125A>G (NM_001160133.2, NM_001160134.2, NM_001160132.2 and 1 more transcripts).
Identifiers: ClinVar variation 2579004 (VCV002579004.25), dbSNP rs143753417, ClinGen allele CA3886810.